The following is an entry in ClinVar:

NM_006949.4(STXBP2):c.822G>A (p.Ala274=)

Gene: STXBP2 (syntaxin binding protein 2; plus strand). Cytogenetic location: 19p13.2.
Variant type: single nucleotide variant.
Coding change: c.822G>A on transcript NM_006949.4 (MANE Select); coding-DNA position 822, G replaced by A.
Protein change: p.Ala274=; no amino-acid change (alanine 274 retained).
Molecular consequence: synonymous variant. On other transcripts: non-coding transcript variant (1).
Genome position (GRCh38, 1-based): chr19:7,642,456, G>A. VCF-style: chr19-7642456-G-A. GRCh37 (hg19) VCF-style: chr19-7707342-G-A.
Other names: p.Ala274=; c.813G>A, p.Ala271= (NM_001127396.3); c.855G>A, p.Ala285= (NM_001272034.2).
Identifiers: ClinVar variation 716692 (VCV000716692.18), dbSNP rs138099253, ClinGen allele CA9143812.
Genomic context (GRCh38, chr19:7,642,456, plus strand): 5'-CCCTGACCCCCAGGCTCCCTCCTTCCTCCCCAGGTATGAGACCACCGGGCTGAGCGAGGC[G>A]CGGGAGAAGGCCGTCTTGCTGGACGAGGACGATGACTTGTGGGTGGAGCTTCGCCACATG-3'
Protein context (NP_008880.2, residues 264-284): YRYETTGLSE[Ala274=]REKAVLLDED

ClinVar aggregate classification (germline): Conflicting classifications of pathogenicity. Review status: criteria provided, conflicting classifications (1 of 4 stars). 5 submissions from 5 submitters: Uncertain significance (1); Benign (2); Likely benign (1). 1 of the submissions does not count toward it. Last evaluated 2026-01-26.

Conditions:
Familial hemophagocytic lymphohistiocytosis 5. Also called: STXBP2-Related Familial Hemophagocytic Lymphohistiocytosis (STXBP2-fHLH). Identifiers: Orphanet 540, MedGen C2751293, MONDO:0013135, OMIM 613101.
STXBP2-related disorder. Also called: STXBP2-related condition.
Autoinflammatory syndrome. Identifiers: Orphanet 93665, MedGen C3890737, MONDO:0019751.

Allele frequency attached by ClinVar (database versions not stated): ESP Exome Variant Server 0.00062; gnomAD 0.00081 and 0.00090; 1000 Genomes Project 0.00100; TOPMed 0.00101; 1000 Genomes Project 30x 0.00109.
gnomAD v4.1: 288 of 1,614,028 alleles (0.018%); highest among the groups gnomAD compares: African/African-American, 0.32%; no homozygotes.

Submissions (5):

Labcorp Genetics (formerly Invitae), Labcorp
Classification: Benign for Familial hemophagocytic lymphohistiocytosis 5. Last evaluated: 2026-01-26. Review status: criteria provided, single submitter. Criteria: Invitae Variant Classification Sherloc (09022015). Collection method: clinical testing. Allele origin: germline.

Mayo Clinic Laboratories, Mayo Clinic
Classification: Likely benign. Last evaluated: 2024-12-19. Review status: criteria provided, single submitter. Criteria: ACMG Guidelines, 2015. Collection method: clinical testing. Allele origin: germline. Observed: 2 variant alleles.
Comment: BP4, BP7

Genome Diagnostics Laboratory, The Hospital for Sick Children
Classification: Uncertain significance for Autoinflammatory syndrome. Last evaluated: 2021-11-04. Review status: criteria provided, single submitter. Criteria: ACMG Guidelines, 2015. Collection method: clinical testing. Allele origin: germline. Affected: yes.

Breakthrough Genomics
Classification: Benign. Review status: criteria provided, single submitter. Criteria: ACMG Guidelines, 2015. Collection method: not provided. Allele origin: germline. Inheritance: Autosomal recessive inheritance. Affected: yes.

PreventionGenetics, part of Exact Sciences
Classification: Likely benign for STXBP2-related condition. Last evaluated: 2020-03-10. Review status: no assertion criteria provided. Collection method: clinical testing. Allele origin: germline. Not counted in ClinVar's aggregate classification.
Comment: This variant is classified as likely benign based on ACMG/AMP sequence variant interpretation guidelines (Richards et al. 2015 PMID: 25741868, with internal and published modifications).